The following is an entry in ClinVar:

NM_001733.7(C1R):c.876G>A (p.Ser292=)

Gene: C1R (complement C1r; minus strand). Cytogenetic location: 12p13.31.
Variant type: single nucleotide variant.
Coding change: c.876G>A on transcript NM_001733.7 (MANE Select); coding-DNA position 876, G replaced by A.
Protein change: p.Ser292=; no amino-acid change (serine 292 retained).
Molecular consequence: synonymous variant.
Genome position (GRCh38, 1-based): chr12:7,088,879, C>T on the plus strand (G>A on the coding strand, the complement: C1R is on the minus strand). VCF-style: chr12-7088879-C-T. GRCh37 (hg19) VCF-style: chr12-7241475-C-T.
Other names: c.918G>A, p.Ser306= (NM_001354346.2).
Identifiers: ClinVar variation 1701185 (VCV001701185.32), dbSNP rs570489350, ClinGen allele CA6424108.

ClinVar aggregate classification (germline): Benign/Likely benign. Review status: criteria provided, multiple submitters, no conflicts (2 of 4 stars). 2 submissions from 2 submitters: Benign (1); Likely benign (1). Last evaluated 2026-01-22.

Allele frequency attached by ClinVar (database versions not stated): ExAC 0.00014.
gnomAD v4.1: 90 of 776,990 alleles (0.012%); highest among the groups gnomAD compares: East Asian, 0.017%; no homozygotes.

Submissions (2):

Women's Health and Genetics/Laboratory Corporation of America, LabCorp
Classification: Benign. Last evaluated: 2026-01-22. Review status: criteria provided, single submitter. Criteria: LabCorp Variant Classification Summary - May 2015. Collection method: clinical testing. Allele origin: germline.

CeGaT Center for Human Genetics Tuebingen
Classification: Likely benign. Last evaluated: 2022-07-01. Review status: criteria provided, single submitter. Criteria: CeGaT Center For Human Genetics Tuebingen Variant Classification Criteria Version 2. Collection method: clinical testing. Allele origin: germline. Affected: yes. Observed: 1 variant allele.
Comment: C1R: BP4, BP7